The following is an entry in ClinVar:

NM_144687.4(NLRP12):c.961G>A (p.Glu321Lys)

Gene: NLRP12 (NLR family pyrin domain containing 12; minus strand). Cytogenetic location: 19q13.42.
Variant type: single nucleotide variant.
Coding change: c.961G>A on transcript NM_144687.4 (MANE Select); coding-DNA position 961, G replaced by A.
Protein change: p.Glu321Lys; replaces glutamic acid 321 with lysine.
Molecular consequence: missense variant.
Genome position (GRCh38, 1-based): chr19:53,810,698, C>T on the plus strand (G>A on the coding strand, the complement: NLRP12 is on the minus strand). VCF-style: chr19-53810698-C-T. GRCh37 (hg19) VCF-style: chr19-54313952-C-T.
Other names: c.961G>A, p.Glu321Lys (NM_001277126.2, NM_001277129.1); short protein forms E321K.
Identifiers: ClinVar variation 851159 (VCV000851159.9), dbSNP rs769424856, ClinGen allele CA9639555.

ClinVar aggregate classification (germline): Uncertain significance (1 of 4 stars; one submission).

Conditions:
Familial cold autoinflammatory syndrome 2 (FCAS2). Identifiers: Orphanet 247868, MedGen C2673198, MONDO:0012724, OMIM 611762.

Allele frequency attached by ClinVar (database versions not stated): gnomAD 0.00001; gnomAD exomes 0.00001 and 0.00005; TOPMed 0.00001; ExAC 0.00006.
gnomAD v4.1: 15 of 1,613,870 alleles (0.00093%); highest among the groups gnomAD compares: Admixed American, 0.017%; no homozygotes.

Submission:

Labcorp Genetics (formerly Invitae), Labcorp
Classification: Uncertain significance for Familial cold autoinflammatory syndrome 2. Last evaluated: 2025-10-06. Review status: criteria provided, single submitter. Criteria: Invitae Variant Classification Sherloc (09022015). Collection method: clinical testing. Allele origin: germline.
Comment: This sequence change replaces glutamic acid, which is acidic and polar, with lysine, which is basic and polar, at codon 321 of the NLRP12 protein (p.Glu321Lys). This variant is present in population databases (rs769424856, gnomAD 0.02%). This variant has not been reported in the literature in individuals affected with NLRP12-related conditions. ClinVar contains an entry for this variant (Variation ID: 851159). Invitae Evidence Modeling of protein sequence and biophysical properties (such as structural, functional, and spatial information, amino acid conservation, physicochemical variation, residue mobility, and thermodynamic stability) indicates that this missense variant is not expected to disrupt NLRP12 protein function with a negative predictive value of 80%. In summary, the available evidence is currently insufficient to determine the role of this variant in disease. Therefore, it has been classified as a Variant of Uncertain Significance.